The following is an entry in ClinVar:

ClinVar aggregate classification (germline): Uncertain significance (1 of 4 stars; one submission).

Conditions:
Spinocerebellar ataxia 44. Identifiers: Orphanet 631095, MedGen C4521563, MONDO:0033479, OMIM 617691.

gnomAD v4.1: 1 of 1,614,144 alleles (0.000062%); highest among the groups gnomAD compares: South Asian, 0.0011%; no homozygotes.

Submission:

Genetics and Molecular Pathology, SA Pathology
Classification: Uncertain significance for Spinocerebellar ataxia 44. Last evaluated: 2020-04-16. Review status: criteria provided, single submitter. Criteria: ACMG Guidelines, 2015. Collection method: clinical testing. Allele origin: germline. Affected: yes.
Comment: The GRM1 c.851C>T variant is a single nucleotide change from a cytosine to a thymine at position 851 which is predicted to change the alanine at position 284 in the protein to valine. The variant has not been described in the literature to date. The variant has not been reported in dbSNP and is absent from population databases (PM2). The variant has not been reported in the ClinVar or HGMD disease databases. Computational predictions support a deleterious effect on the gene or gene product (PP3).

NM_001278064.2(GRM1):c.851C>T (p.Ala284Val)

Gene: GRM1 (glutamate metabotropic receptor 1; plus strand). Cytogenetic location: 6q24.3.
Variant type: single nucleotide variant.
Coding change: c.851C>T on transcript NM_001278064.2 (MANE Select); coding-DNA position 851, C replaced by T.
Protein change: p.Ala284Val; replaces alanine 284 with valine.
Molecular consequence: missense variant.
Genome position (GRCh38, 1-based): chr6:146,159,498, C>T. VCF-style: chr6-146159498-C-T. GRCh37 (hg19) VCF-style: chr6-146480634-C-T.
Other names: c.851C>T, p.Ala284Val (NM_001278065.2, NM_001278066.1, NM_001278067.1); short protein forms A284V.
Identifiers: ClinVar variation 1698874 (VCV001698874.2), dbSNP rs1448466753, ClinGen allele CA366190938.